The following is an entry in ClinVar:

ClinVar aggregate classification (germline): Uncertain significance (1 of 4 stars; one submission).

Conditions:
Neuronopathy, distal hereditary motor, type 7B. Also called: HMN VIIB; LOWER MOTOR NEURON DISEASE, DYNACTIN TYPE; Distal Hereditary Motor Neuronopathy Type 7B (dHMN7B); NEURONOPATHY, DISTAL HEREDITARY MOTOR, AUTOSOMAL DOMINANT 14; NEURONOPATHY, DISTAL HEREDITARY MOTOR, HARDING TYPE VIIB; NEUROPATHY, DISTAL HEREDITARY MOTOR, HARDING TYPE VIIB. Identifiers: Orphanet 139589, MedGen C1843315, MONDO:0011879, OMIM 607641.
Perry syndrome. Also called: PARKINSONISM WITH ALVEOLAR HYPOVENTILATION AND MENTAL DEPRESSION. Identifiers: Orphanet 178509, MedGen C1868594, MONDO:0008201, OMIM 168605.
Amyotrophic lateral sclerosis type 1 (ALS1). Also called: AMYOTROPHIC LATERAL SCLEROSIS 1, FAMILIAL. Identifiers: Orphanet 803, MedGen C1862939, MONDO:0007103, OMIM 105400.

Submission:

Labcorp Genetics (formerly Invitae), Labcorp
Classification: Uncertain significance for Amyotrophic lateral sclerosis type 1; Neuronopathy, distal hereditary motor, type 7B; Perry syndrome. Last evaluated: 2025-11-27. Review status: criteria provided, single submitter. Criteria: Invitae Variant Classification Sherloc (09022015). Collection method: clinical testing. Allele origin: germline.
Comment: This sequence change replaces glutamic acid, which is acidic and polar, with lysine, which is basic and polar, at codon 539 of the DCTN1 protein (p.Glu539Lys). This variant is not present in population databases (gnomAD no frequency). This variant has not been reported in the literature in individuals affected with DCTN1-related conditions. ClinVar contains an entry for this variant (Variation ID: 1994258). Invitae Evidence Modeling of protein sequence and biophysical properties (such as structural, functional, and spatial information, amino acid conservation, physicochemical variation, residue mobility, and thermodynamic stability) indicates that this missense variant is not expected to disrupt DCTN1 protein function with a negative predictive value of 95%. In summary, the available evidence is currently insufficient to determine the role of this variant in disease. Therefore, it has been classified as a Variant of Uncertain Significance.

NM_004082.5(DCTN1):c.1615G>A (p.Glu539Lys)

Gene: DCTN1 (dynactin subunit 1; minus strand). Cytogenetic location: 2p13.1.
Variant type: single nucleotide variant.
Coding change: c.1615G>A on transcript NM_004082.5 (MANE Select); coding-DNA position 1615, G replaced by A.
Protein change: p.Glu539Lys; replaces glutamic acid 539 with lysine.
Molecular consequence: missense variant. On other transcripts: non-coding transcript variant (1).
Genome position (GRCh38, 1-based): chr2:74,369,184, C>T on the plus strand (G>A on the coding strand, the complement: DCTN1 is on the minus strand). VCF-style: chr2-74369184-C-T. GRCh37 (hg19) VCF-style: chr2-74596311-C-T.
Other names: c.1555G>A, p.Glu519Lys (NM_001135040.3); c.1213G>A, p.Glu405Lys (NM_001135041.3, NM_023019.4); c.1504G>A, p.Glu502Lys (NM_001190836.2); c.1594G>A, p.Glu532Lys (NM_001190837.2); c.1564G>A, p.Glu522Lys (NM_001378991.1); c.1546G>A, p.Glu516Lys (NM_001378992.1); short protein forms E405K, E516K, E519K, E522K, E502K, E532K, E539K.
Identifiers: ClinVar variation 1994258 (VCV001994258.4), dbSNP rs2529143726, ClinGen allele CA347357148.
Genomic context (GRCh38, chr2:74,369,184, plus strand): 5'-ACTTGATTTTGAAGTCAAAGGTCTCTGGAGGTGGCTGCTGTTGCCTCTCCACAGATGCTT[C>T]CTGCTGGTTTGTCAGTTCCCGATTCACATCCTAGGAGGAGAGACAGTGAAGCACAGCTGG-3'
Protein context (NP_004073.2, residues 529-549): DVNRELTNQQ[Glu539Lys]ASVERQQQPP